The following is an entry in ClinVar:

ClinVar aggregate classification (germline): Uncertain significance. Review status: criteria provided, single submitter (1 of 4 stars). 2 submissions from 2 submitters: Uncertain significance (1). 1 of the submissions does not count toward it. Last evaluated 2017-04-12.

Conditions:
Alstrom syndrome (ALMS). Identifiers: Orphanet 64, MedGen C0268425, MONDO:0008763, OMIM 203800.

Allele frequency attached by ClinVar (database versions not stated): TOPMed below 0.00001; gnomAD 0.00001; gnomAD exomes 0.00001.
gnomAD v4.1: 8 of 1,613,658 alleles (0.0005%); highest among the groups gnomAD compares: South Asian, 0.0011%; no homozygotes.

Submissions (2):

GeneDx
Classification: Uncertain significance. Last evaluated: 2017-04-12. Review status: criteria provided, single submitter. Criteria: GeneDx Variant Classification (06012015). Collection method: clinical testing. Allele origin: germline. Affected: yes.
Comment: The A1620V variant of uncertain significance in the ALMS1 gene has not been published as pathogenic or been reported as benign to our knowledge. This variant is not observed in large population cohorts (Lek et al., 2016; 1000 Genomes Consortium et al., 2015; Exome Variant Server). However, the A1620V variant is a conservative amino acid substitution, which is not likely to impact secondary protein structure as these residues share similar properties. Furthermore, this substitution occurs at a position that is not conserved across species, and 2/3 in silico algorithms predict this variant likely does not alter the protein structure/function.

Natera, Inc.
Classification: Uncertain significance for Alstrom syndrome. Last evaluated: 2020-12-21. Review status: no assertion criteria provided. Collection method: clinical testing. Allele origin: germline. Not counted in ClinVar's aggregate classification.

NM_001378454.1(ALMS1):c.4856C>T (p.Ala1619Val)

Gene: ALMS1 (ALMS1 centrosome and basal body associated protein; plus strand). Cytogenetic location: 2p13.1.
Variant type: single nucleotide variant.
Coding change: c.4856C>T on transcript NM_001378454.1 (MANE Select); coding-DNA position 4856, C replaced by T.
Protein change: p.Ala1619Val; replaces alanine 1619 with valine.
Molecular consequence: missense variant.
Genome position (GRCh38, 1-based): chr2:73,451,383, C>T. VCF-style: chr2-73451383-C-T. GRCh37 (hg19) VCF-style: chr2-73678510-C-T.
Other names: c.4859C>T, p.Ala1620Val (NM_015120.4); short protein forms A1620V, A1619V.
Identifiers: ClinVar variation 426559 (VCV000426559.3), dbSNP rs1085307684, ClinGen allele CA347279406.